The following is an entry in ClinVar:

NM_001386140.1(MTTP):c.1250del (p.Gly417fs)

Gene: MTTP (microsomal triglyceride transfer protein; plus strand). Cytogenetic location: 4q23.
Variant type: Deletion.
Coding change: c.1250del on transcript NM_001386140.1 (MANE Select); coding-DNA position 1250, one base deleted (G; older notation c.1250delG).
Protein change: p.Gly417fs; shifts the reading frame from glycine 417.
Molecular consequence: frameshift variant.
Genome position (GRCh38, 1-based): chr4:99,601,620, G deleted; the last of 2 consecutive G bases (chr4:99,601,619-99,601,620); deleting either gives the same sequence. VCF-style (leftmost placement, unchanged base first): chr4-99601618-AG-A. GRCh37 (hg19) VCF-style: chr4-100522775-AG-A.
Other names: c.1250del, p.Gly417fs (NM_000253.4); c.1001del, p.Gly334fs (NM_001300785.2); short protein forms G334fs, G417fs.
Identifiers: ClinVar variation 5010716 (VCV005010716.1).

ClinVar aggregate classification (germline): Pathogenic (1 of 4 stars; one submission).

Conditions:
Abetalipoproteinaemia (ABL). Also called: MTP DEFICIENCY; Abetalipoproteinemia; Abetalipoproteinemia neuropathy; Apolipoprotein B deficiency; Congenital betalipoprotein deficiency syndrome. Identifiers: Orphanet 14, MedGen C0000744, MONDO:0008692, OMIM 200100, HP:0008181.

Submission:

Myriad Genetics, Inc.
Classification: Pathogenic for Abetalipoproteinaemia. Last evaluated: 2024-06-01. Review status: criteria provided, single submitter. Criteria: Myriad Autosomal Dominant, Autosomal Recessive and X-Linked Classification Criteria (2023). Collection method: clinical testing. Allele origin: unknown.
Comment: NM_000253.2(MTTP):c.1250delG(G417Vfs*13) is expected to be pathogenic in the context of abetalipoproteinemia. This variant is predicted to lead to an abnormal or absent protein product due to the creation of a premature termination codon in MTTP, a gene where loss-of-function variants are known to be pathogenic. Please note: this variant was assessed in the context of healthy population screening.